The following is an entry in ClinVar:

ClinVar aggregate classification (germline): Uncertain significance (1 of 4 stars; one submission).

Allele frequency attached by ClinVar (database versions not stated): ExAC 0.00006; ESP Exome Variant Server 0.00008; gnomAD 0.00018; TOPMed 0.00023.
gnomAD v4.1: 56 of 1,550,390 alleles (0.0036%); highest among the groups gnomAD compares: African/African-American, 0.045%; no homozygotes.

Submission:

Mayo Clinic Laboratories, Mayo Clinic
Classification: Uncertain significance. Last evaluated: 2023-04-06. Review status: criteria provided, single submitter. Criteria: ACMG Guidelines, 2015. Collection method: clinical testing. Allele origin: germline. Observed: 1 variant allele.
Comment: BP4

NM_001080508.3(TBX18):c.1144G>A (p.Val382Ile)

Gene: TBX18 (T-box transcription factor 18; minus strand). Cytogenetic location: 6q14.3.
Variant type: single nucleotide variant.
Coding change: c.1144G>A on transcript NM_001080508.3 (MANE Select); coding-DNA position 1144, G replaced by A.
Protein change: p.Val382Ile; replaces valine 382 with isoleucine.
Molecular consequence: missense variant.
Genome position (GRCh38, 1-based): chr6:84,737,365, C>T on the plus strand (G>A on the coding strand, the complement: TBX18 is on the minus strand). VCF-style: chr6-84737365-C-T. GRCh37 (hg19) VCF-style: chr6-85447083-C-T.
Other names: p.Val382Ile; short protein forms V382I.
Identifiers: ClinVar variation 2682942 (VCV002682942.1), dbSNP rs149008570, ClinGen allele CA3910895.
Genomic context (GRCh38, chr6:84,737,365, plus strand): 5'-GATGGAAGGCAGGAGAGGAGCAAGAGGAGCCAGACAAAAGGTGAGGGTGAGTGGCAGGAA[C>T]GCCATTCCCAGTACCTTGGAGCAAGGTGGAGGAACTTGCATTGCCTACAAAAGAAGTTGA-3'
Protein context (NP_001073977.1, residues 372-392): STLLQGTGNG[Val382Ile]PATHPHLLSG